The following is an entry in ClinVar:

NM_006514.4(SCN10A):c.3420G>T (p.Gln1140His)

Genes: SCN10A (sodium voltage-gated channel alpha subunit 10; minus strand), LOC110121288 (VISTA enhancer hs2268; plus strand). Cytogenetic location: 3p22.2.
Variant type: single nucleotide variant.
Coding change: c.3420G>T on transcript NM_006514.4 (MANE Select); coding-DNA position 3420, G replaced by T.
Protein change: p.Gln1140His; replaces glutamine 1140 with histidine.
Molecular consequence: missense variant.
Genome position (GRCh38, 1-based): chr3:38,722,345, C>A on the plus strand (G>T on the coding strand, the complement: SCN10A is on the minus strand). VCF-style: chr3-38722345-C-A. GRCh37 (hg19) VCF-style: chr3-38763836-C-A.
Other names: c.3417G>T, p.Gln1139His (NM_001293306.2); c.3126G>T, p.Gln1042His (NM_001293307.2); short protein forms Q1042H, Q1140H, Q1139H.
Identifiers: ClinVar variation 1731269 (VCV001731269.2), dbSNP rs2470647280, ClinGen allele CA352155523.
Genomic context (GRCh38, chr3:38,722,345, plus strand): 5'-GAAGATGATGAAGCTCTCAAACCAGCTGTGCTCCACGATACGGTAGCAAGTCTTGCGCAC[C>A]TGCCAGCCCACATCCCATGGACTCTTGGTGGTATCCAGTTTGCAGCAGGGACAGTGGCGA-3'
Protein context (NP_006505.4, residues 1130-1150): TTKSPWDVGW[Gln1140His]VRKTCYRIVE

ClinVar aggregate classification (germline): Uncertain significance (1 of 4 stars; one submission).

Conditions:
Cardiovascular phenotype. Identifiers: MedGen CN230736.

Submission:

Ambry Genetics
Classification: Uncertain significance for Cardiovascular phenotype. Last evaluated: 2022-01-02. Review status: criteria provided, single submitter. Criteria: Ambry Variant Classification Scheme 2023. Collection method: clinical testing. Allele origin: germline.
Comment: The p.Q1140H variant (also known as c.3420G>T), located in coding exon 19 of the SCN10A gene, results from a G to T substitution at nucleotide position 3420. The glutamine at codon 1140 is replaced by histidine, an amino acid with highly similar properties. This amino acid position is conserved. In addition, this alteration is predicted to be tolerated by in silico analysis. Since supporting evidence is limited at this time, the clinical significance of this alteration remains unclear.